The following is an entry in ClinVar:

ClinVar aggregate classification (germline): Uncertain significance (1 of 4 stars; one submission).

Submission:

GeneDx
Classification: Uncertain significance. Last evaluated: 2025-06-11. Review status: criteria provided, single submitter. Criteria: GeneDx Variant Classification Process June 2021. Collection method: clinical testing. Allele origin: germline.
Comment: Not observed at significant frequency in large population cohorts (gnomAD); In silico analysis suggests that this missense variant does not alter protein structure/function; Has not been previously published as pathogenic or benign to our knowledge

NM_001039591.3(USP9X):c.3499G>A (p.Val1167Ile)

Gene: USP9X (ubiquitin specific peptidase 9 X-linked; plus strand). Cytogenetic location: Xp11.4.
Variant type: single nucleotide variant.
Coding change: c.3499G>A on transcript NM_001039591.3 (MANE Select); coding-DNA position 3499, G replaced by A.
Protein change: p.Val1167Ile; replaces valine 1167 with isoleucine.
Molecular consequence: missense variant.
Genome position (GRCh38, 1-based): chrX:41,184,616, G>A. VCF-style: chrX-41184616-G-A. GRCh37 (hg19) VCF-style: chrX-41043869-G-A.
Other names: c.3499G>A, p.Val1167Ile (NM_001039590.3); c.3514G>A, p.Val1172Ile (NM_001410748.1, NM_001410749.1); short protein forms V1167I, V1172I.
Identifiers: ClinVar variation 2502457 (VCV002502457.2), dbSNP rs2519266971, ClinGen allele CA412765137.